The following is an entry in ClinVar:

NM_078471.4(MYO18A):c.983G>A (p.Arg328His)

Gene: MYO18A (myosin XVIIIA; minus strand). Cytogenetic location: 17q11.2.
Variant type: single nucleotide variant.
Coding change: c.983G>A on transcript NM_078471.4 (MANE Select); coding-DNA position 983, G replaced by A.
Protein change: p.Arg328His; replaces arginine 328 with histidine.
Molecular consequence: missense variant.
Genome position (GRCh38, 1-based): chr17:29,165,958, C>T on the plus strand (G>A on the coding strand, the complement: MYO18A is on the minus strand). VCF-style: chr17-29165958-C-T. GRCh37 (hg19) VCF-style: chr17-27492976-C-T.
Other names: c.983G>A, p.Arg328His (NM_001346765.2, NM_001346766.2, NM_001346767.2 and 1 more transcripts); short protein forms R328H.
Identifiers: ClinVar variation 3356815 (VCV003356815.1).

ClinVar aggregate classification (germline): Uncertain significance (0 of 4 stars; one submission).

Conditions:
MYO18A-related disorder. Also called: MYO18A-related condition.

gnomAD v4.1: 2 of 1,612,616 alleles (0.00012%); highest among the groups gnomAD compares: Non-Finnish European, 0.00017%; no homozygotes.

Submission:

PreventionGenetics, part of Exact Sciences
Classification: Uncertain significance for MYO18A-related condition. Last evaluated: 2024-04-03. Review status: no assertion criteria provided. Collection method: clinical testing. Allele origin: germline.
Comment: The MYO18A c.983G>A variant is predicted to result in the amino acid substitution p.Arg328His. To our knowledge, this variant has not been reported in the literature or in a large population database, indicating this variant is rare. At this time, the clinical significance of this variant is uncertain due to the absence of conclusive functional and genetic evidence.